The following is an entry in ClinVar:

NM_000179.3(MSH6):c.4034T>C (p.Val1345Ala)

Gene: MSH6 (mutS homolog 6; plus strand). Cytogenetic location: 2p16.3.
Variant type: single nucleotide variant.
Coding change: c.4034T>C on transcript NM_000179.3 (MANE Select); coding-DNA position 4034, T replaced by C.
Protein change: p.Val1345Ala; replaces valine 1345 with alanine.
Molecular consequence: missense variant.
Genome position (GRCh38, 1-based): chr2:47,806,811, T>C. VCF-style: chr2-47806811-T-C. GRCh37 (hg19) VCF-style: chr2-48033950-T-C.
Other names: c.3644T>C, p.Val1215Ala (NM_001281492.2); c.3128T>C, p.Val1043Ala (NM_001281493.2, NM_001281494.2, NM_001406811.1 and 6 more transcripts); c.4130T>C, p.Val1377Ala (NM_001406795.1); c.4034T>C, p.Val1345Ala (NM_001406796.1, NM_001406809.1); c.3737T>C, p.Val1246Ala (NM_001406797.1, NM_001406805.1, NM_001406818.1 and 8 more transcripts); c.3860T>C, p.Val1287Ala (NM_001406798.1); c.3509T>C, p.Val1170Ala (NM_001406799.1, NM_001406806.1, NM_001406807.1); c.*55T>C (NM_001406800.1); and 9 more; short protein forms V1043A, V1215A, V1287A, V1345A, V823A, V1246A, V1289A, V1377A.
Identifiers: ClinVar variation 2127951 (VCV002127951.6), dbSNP rs1670215600, ClinGen allele CA346761684.

ClinVar aggregate classification (germline): Uncertain significance. Review status: criteria provided, multiple submitters, no conflicts (2 of 4 stars). 3 submissions from 3 submitters: Uncertain significance (3). Last evaluated 2025-07-07.

Conditions:
Hereditary nonpolyposis colorectal neoplasms. Identifiers: MedGen C0009405, MeSH D003123.
Hereditary cancer-predisposing syndrome. Also called: Hereditary neoplastic syndrome; Tumor predisposition; Hereditary Cancer Syndrome; Neoplastic Syndromes, Hereditary. Identifiers: Orphanet 140162, MedGen C0027672, MeSH D009386, MONDO:0015356.

gnomAD v4.1: 1 of 1,611,568 alleles (0.000062%); highest among the groups gnomAD compares: Non-Finnish European, 0.000085%; no homozygotes.

Submissions (3):

Color Diagnostics, LLC DBA Color Health
Classification: Uncertain significance for Hereditary cancer-predisposing syndrome. Last evaluated: 2025-07-07. Review status: criteria provided, single submitter. Criteria: ACMG Guidelines, 2015. Collection method: clinical testing. Allele origin: germline.
Comment: This missense variant replaces valine with alanine at codon 1345 of the MSH6 protein. Computational prediction suggests that this variant may not impact protein structure and function. To our knowledge, functional studies have not been reported for this variant. This variant has not been reported in individuals affected with MSH6-related disorders in the literature. This variant has not been identified in the general population by the Genome Aggregation Database (gnomAD). The available evidence is insufficient to determine the role of this variant in disease conclusively. Therefore, this variant is classified as a Variant of Uncertain Significance.

Ambry Genetics
Classification: Uncertain significance for Hereditary cancer-predisposing syndrome. Last evaluated: 2024-05-02. Review status: criteria provided, single submitter. Criteria: Ambry Variant Classification Scheme 2023. Collection method: clinical testing. Allele origin: germline.
Comment: The p.V1345A variant (also known as c.4034T>C), located in coding exon 10 of the MSH6 gene, results from a T to C substitution at nucleotide position 4034. The valine at codon 1345 is replaced by alanine, an amino acid with similar properties. This amino acid position is conserved. In addition, this alteration is predicted to be tolerated by in silico analysis. Based on the available evidence, the clinical significance of this variant remains unclear.

Labcorp Genetics (formerly Invitae), Labcorp
Classification: Uncertain significance for Hereditary nonpolyposis colorectal neoplasms. Last evaluated: 2024-01-24. Review status: criteria provided, single submitter. Criteria: Invitae Variant Classification Sherloc (09022015). Collection method: clinical testing. Allele origin: germline.
Comment: This sequence change replaces valine, which is neutral and non-polar, with alanine, which is neutral and non-polar, at codon 1345 of the MSH6 protein (p.Val1345Ala). This variant is not present in population databases (gnomAD no frequency). This variant has not been reported in the literature in individuals affected with MSH6-related conditions. ClinVar contains an entry for this variant (Variation ID: 2127951). Advanced modeling of protein sequence and biophysical properties (such as structural, functional, and spatial information, amino acid conservation, physicochemical variation, residue mobility, and thermodynamic stability) performed at Invitae indicates that this missense variant is not expected to disrupt MSH6 protein function with a negative predictive value of 95%. In summary, the available evidence is currently insufficient to determine the role of this variant in disease. Therefore, it has been classified as a Variant of Uncertain Significance.